The following is an entry in ClinVar:

NM_007294.4(BRCA1):c.3940G>A (p.Asp1314Asn)

Genes: BRCA1 (BRCA1 DNA repair associated; minus strand), LOC126862571 (BRD4-independent group 4 enhancer GRCh37_chr17:41243136-41244335; plus strand). Cytogenetic location: 17q21.31.
Variant type: single nucleotide variant.
Coding change: c.3940G>A on transcript NM_007294.4 (MANE Select); coding-DNA position 3940, G replaced by A.
Protein change: p.Asp1314Asn; replaces aspartic acid 1314 with asparagine.
Molecular consequence: missense variant. On other transcripts: intron variant (135).
Genome position (GRCh38, 1-based): chr17:43,091,591, C>T on the plus strand (G>A on the coding strand, the complement: BRCA1 is on the minus strand). VCF-style: chr17-43091591-C-T. GRCh37 (hg19) VCF-style: chr17-41243608-C-T.
Other names: c.3940G>A, p.Asp1314Asn (NM_001407602.1, NM_001407603.1, NM_001407605.1 and 30 more transcripts); c.3937G>A, p.Asp1313Asn (NM_001407610.1, NM_001407611.1, NM_001407612.1 and 22 more transcripts); c.3931G>A, p.Asp1311Asn (NM_001407646.1, NM_001407647.1); c.3817G>A, p.Asp1273Asn (NM_001407648.1, NM_001407664.1, NM_001407665.1 and 19 more transcripts); c.3814G>A, p.Asp1272Asn (NM_001407649.1, NM_001407670.1, NM_001407671.1 and 11 more transcripts); c.3862G>A, p.Asp1288Asn (NM_001407653.1, NM_001407654.1, NM_001407655.1 and 4 more transcripts); c.3859G>A, p.Asp1287Asn (NM_001407659.1, NM_001407660.1, NM_001407661.1 and 1 more transcripts); c.3799G>A, p.Asp1267Asn (NM_001407692.1, NM_001407694.1, NM_001407695.1 and 29 more transcripts); and 41 more; short protein forms D1314N, D1267N, D1018N, D1203N, D1244N, D1246N, D1266N, D1288N.
Identifiers: ClinVar variation 55056 (VCV000055056.16), dbSNP rs80356954, ClinGen allele CA002528.

ClinVar aggregate classification (germline): Conflicting classifications of pathogenicity. Review status: criteria provided, conflicting classifications (1 of 4 stars). 5 submissions from 5 submitters: Uncertain significance (3); Likely benign (1). 1 of the submissions does not count toward it. Last evaluated 2025-10-17.

Conditions:
Hereditary cancer-predisposing syndrome. Also called: Hereditary Cancer Syndrome; Hereditary neoplastic syndrome; Neoplastic Syndromes, Hereditary; Tumor predisposition. Identifiers: Orphanet 140162, MedGen C0027672, MeSH D009386, MONDO:0015356.
Breast-ovarian cancer, familial, susceptibility to, 1 (BROVCA1). Also called: BRCA1 Hereditary Breast and Ovarian Cancer; OVARIAN CANCER, SUSCEPTIBILITY TO. Identifiers: Orphanet 145, MedGen C2676676, MONDO:0011450, OMIM 604370. Disease mechanism: loss of function.
Hereditary breast ovarian cancer syndrome. Also called: BRCA1- and BRCA2-Associated Hereditary Breast and Ovarian Cancer; Hereditary breast and ovarian cancer syndrome; Hereditary breast and ovarian cancer syndrome (HBOC); Breast and ovarian cancer; Hereditary breast and/or ovarian cancer syndrome; Hereditary breast and ovarian cancer. Identifiers: Orphanet 145, MedGen C0677776, MeSH D061325, MONDO:0003582. Disease mechanism: loss of function.

Submissions (5):

Quest Diagnostics Nichols Institute San Juan Capistrano
Classification: Uncertain significance. Last evaluated: 2025-10-17. Review status: criteria provided, single submitter. Criteria: Quest Diagnostics criteria. Collection method: clinical testing. Allele origin: unknown.
Comment: The BRCA1 c.3940G>A (p.Asp1314Asn) variant has been reported in the published literature in described to be located in a region of the BRCA1 gene that is tolerant to missense sequence changes (PMID: 31911673 (2020)). A functional study demonstrated that this variant had a neutral impact on cell survival, however additional studies are needed to determine the global effect of this variant on protein function (PMID: 33691754 (2021)). This variant has not been reported in large, multi-ethnic general populations (Genome Aggregation Database). Analysis of this variant using bioinformatics tools for the prediction of the effect of amino acid changes on protein structure and function yielded predictions that this variant is benign. Based on the available information, we are unable to determine the clinical significance of this variant.

Ambry Genetics
Classification: Uncertain significance for Hereditary cancer-predisposing syndrome. Last evaluated: 2025-05-07. Review status: criteria provided, single submitter. Criteria: Ambry Variant Classification Scheme 2023. Collection method: clinical testing. Allele origin: germline.
Comment: The p.D1314N variant (also known as c.3940G>A), located in coding exon 9 of the BRCA1 gene, results from a G to A substitution at nucleotide position 3940. The aspartic acid at codon 1314 is replaced by asparagine, an amino acid with highly similar properties. This amino acid position is not well conserved in available vertebrate species. In addition, the in silico prediction for this alteration is inconclusive. Based on the available evidence, the clinical significance of this variant remains unclear.

University of Washington Department of Laboratory Medicine, University of Washington
Classification: Likely benign for Hereditary cancer-predisposing syndrome. Last evaluated: 2023-03-23. Review status: criteria provided, single submitter. Criteria: Dines et al. (Genet Med. 2020). Collection method: curation. Allele origin: germline.
Comment: Missense variant in a coldspot region where missense variants are very unlikely to be pathogenic (PMID:31911673).

BRCA1 coldspot (exon 11 using historical exon numbering). Reclassification based on statistical prior probability

Labcorp Genetics (formerly Invitae), Labcorp
Classification: Uncertain significance for Hereditary breast ovarian cancer syndrome. Last evaluated: 2020-02-17. Review status: criteria provided, single submitter. Criteria: Invitae Variant Classification Sherloc (09022015). Collection method: clinical testing. Allele origin: germline.
Comment: This sequence change replaces aspartic acid with asparagine at codon 1314 of the BRCA1 protein (p.Asp1314Asn). The aspartic acid residue is moderately conserved and there is a small physicochemical difference between aspartic acid and asparagine. This variant is not present in population databases (ExAC no frequency). This variant has been reported in individuals in the Breast Cancer Information Core database (PMID: 10923033). ClinVar contains an entry for this variant (Variation ID: 55056). Algorithms developed to predict the effect of missense changes on protein structure and function output the following: SIFT: "Tolerated"; PolyPhen-2: "Possibly Damaging"; Align-GVGD: "Class C0". The asparagine amino acid residue is found in multiple mammalian species, suggesting that this missense change does not adversely affect protein function. These predictions have not been confirmed by published functional studies and their clinical significance is uncertain. In summary, the available evidence is currently insufficient to determine the role of this variant in disease. Therefore, it has been classified as a Variant of Uncertain Significance.

Breast Cancer Information Core (BIC) (BRCA1)
Classification: Uncertain significance for Breast-ovarian cancer, familial 1. Last evaluated: 2004-11-25. Review status: no assertion criteria provided. Collection method: clinical testing. Allele origin: germline. Affected: yes. Observed: 1 variant allele. Not counted in ClinVar's aggregate classification.

Literature cited by the submitters: PubMed 31911673 (cited by Quest Diagnostics Nichols Institute San Juan Capistrano); PubMed 33691754 (cited by Quest Diagnostics Nichols Institute San Juan Capistrano); PubMed 10923033 (cited by Labcorp Genetics (formerly Invitae), Labcorp).